The following is an entry in ClinVar:

ClinVar aggregate classification (germline): Uncertain significance (1 of 4 stars; one submission).

Submission:

Women's Health and Genetics/Laboratory Corporation of America, LabCorp
Classification: Uncertain significance. Last evaluated: 2022-07-19. Review status: criteria provided, single submitter. Criteria: LabCorp Variant Classification Summary - May 2015. Collection method: clinical testing. Allele origin: germline.
Comment: Variant summary: The variant identified by MLPA or other technology involves the deletion of exon 6 (i.e. the last exon) in the TMEM38B gene. A presumed nomenclature of c.(660+1_661-1)_(*2532_?)del has been designated for the purposes of this classification. Although exact breakpoints of this deletion are not known, it is not expected to cause nonsense mediated decay (NMD), but is predicted to cause a large truncation of the encoded protein (removing amino acids 220-291), and likely replacing it with an incorrect sequence. A large deletion variant (size: 195,085 bp; position: chr9:108535399-108730484), which extends ~191 kbp beyond the TMEM38B gene, but it doesn't affect other genes, was found at a frequency of 0.00018 in 21694 control chromosomes (i.e. in 4 heterozygous carriers) in the gnomAD database, structural variants dataset. To our knowledge, no occurrence of c.(660+1_661-1)_(*2532_?)del in individuals affected with Osteogenesis Imperfecta and no experimental evidence demonstrating its impact on protein function have been reported. One clinical diagnostic laboratory has submitted clinical-significance assessments for this variant to ClinVar after 2014, and classified the variant as uncertain significance. Based on the evidence outlined above, the variant was classified as uncertain significance.

NC_000009.11:g.(108510472_108536145)_(108538893_?)del

Gene: TMEM38B (transmembrane protein 38B; plus strand). Cytogenetic location: 9q31.2.
Variant type: Deletion.
Identifiers: ClinVar variation 1704584 (VCV001704584.1).